The following is an entry in ClinVar:

ClinVar aggregate classification (germline): Conflicting classifications of pathogenicity. Review status: criteria provided, conflicting classifications (1 of 4 stars). 5 submissions from 5 submitters: Uncertain significance (3); Likely benign (2). Last evaluated 2024-06-18.

Conditions:
Inborn genetic diseases. Identifiers: MedGen C0950123, MeSH D030342.
Bartter disease type 4A. Also called: BARTTER SYNDROME, TYPE 4A, NEONATAL, WITH SENSORINEURAL DEAFNESS; BARTTER SYNDROME, NEONATAL, WITH SENSORINEURAL DEAFNESS. Identifiers: Orphanet 112, MedGen C1865270, MONDO:0011242, OMIM 602522.

Allele frequency attached by ClinVar (database versions not stated): gnomAD 0.00009; TOPMed 0.00010; gnomAD exomes 0.00018 and 0.00019; ExAC 0.00025.
gnomAD v4.1: 290 of 1,613,958 alleles (0.018%); highest among the groups gnomAD compares: Non-Finnish European, 0.023%; no homozygotes.

Submissions (5):

GeneDx
Classification: Uncertain significance. Last evaluated: 2024-06-18. Review status: criteria provided, single submitter. Criteria: GeneDx Variant Classification Process June 2021. Collection method: clinical testing. Allele origin: germline. Affected: yes.
Comment: In silico analysis indicates that this missense variant does not alter protein structure/function; Has not been previously published as pathogenic or benign to our knowledge

Labcorp Genetics (formerly Invitae), Labcorp
Classification: Uncertain significance. Last evaluated: 2022-10-17. Review status: criteria provided, single submitter. Criteria: Invitae Variant Classification Sherloc (09022015). Collection method: clinical testing. Allele origin: germline.
Comment: This sequence change replaces leucine, which is neutral and non-polar, with proline, which is neutral and non-polar, at codon 306 of the BSND protein (p.Leu306Pro). This variant is present in population databases (rs139049536, gnomAD 0.03%). This variant has not been reported in the literature in individuals affected with BSND-related conditions. ClinVar contains an entry for this variant (Variation ID: 46552). Advanced modeling of protein sequence and biophysical properties (such as structural, functional, and spatial information, amino acid conservation, physicochemical variation, residue mobility, and thermodynamic stability) performed at Invitae indicates that this missense variant is not expected to disrupt BSND protein function. In summary, the available evidence is currently insufficient to determine the role of this variant in disease. Therefore, it has been classified as a Variant of Uncertain Significance.

Ambry Genetics
Classification: Likely benign for Inborn genetic diseases. Last evaluated: 2022-01-26. Review status: criteria provided, single submitter. Criteria: Ambry Variant Classification Scheme 2023. Collection method: clinical testing. Allele origin: germline.

Illumina Laboratory Services, Illumina
Classification: Uncertain significance for Bartter disease type 4A. Last evaluated: 2018-01-12. Review status: criteria provided, single submitter. Criteria: ICSL Variant Classification Criteria 13 December 2019. Collection method: clinical testing. Allele origin: germline.

Laboratory for Molecular Medicine, Mass General Brigham Personalized Medicine
Classification: Likely benign. Last evaluated: 2012-11-29. Review status: criteria provided, single submitter. Criteria: LMM Criteria. Collection method: clinical testing. Allele origin: germline. Inheritance: Autosomal recessive inheritance. Observed: 1 variant allele.
Comment: Leu306Pro in BSND: This variant is not expected to have clinical significance b ecause the Leu residue at position 306 is not well conserved with many mammals h aving a Pro at this position.

NM_057176.3(BSND):c.917T>C (p.Leu306Pro)

Gene: BSND (barttin CLCNK type accessory subunit beta; plus strand). Cytogenetic location: 1p32.3.
Variant type: single nucleotide variant.
Coding change: c.917T>C on transcript NM_057176.3 (MANE Select); coding-DNA position 917, T replaced by C.
Protein change: p.Leu306Pro; replaces leucine 306 with proline.
Molecular consequence: missense variant.
Genome position (GRCh38, 1-based): chr1:55,008,582, T>C. VCF-style: chr1-55008582-T-C. GRCh37 (hg19) VCF-style: chr1-55474255-T-C.
Other names: short protein forms L306P.
Identifiers: ClinVar variation 46552 (VCV000046552.12), dbSNP rs139049536, ClinGen allele CA138608.